The following is an entry in ClinVar:

ClinVar aggregate classification (germline): Conflicting classifications of pathogenicity. Review status: criteria provided, conflicting classifications (1 of 4 stars). 4 submissions from 4 submitters: Uncertain significance (1); Likely benign (2). 1 of the submissions does not count toward it. Last evaluated 2025-05-05.

Conditions:
ARID1A-related disorder. Also called: ARID1A-related condition.

Submissions (4):

Labcorp Genetics (formerly Invitae), Labcorp
Classification: Likely benign. Last evaluated: 2025-05-05. Review status: criteria provided, single submitter. Criteria: Invitae Variant Classification Sherloc (09022015). Collection method: clinical testing. Allele origin: germline.

CeGaT Center for Human Genetics Tuebingen
Classification: Uncertain significance. Last evaluated: 2023-09-01. Review status: criteria provided, single submitter. Criteria: CeGaT Center For Human Genetics Tuebingen Variant Classification Criteria Version 2. Collection method: clinical testing. Allele origin: germline. Affected: yes. Observed: 1 variant allele.

GeneDx
Classification: Likely benign. Last evaluated: 2022-11-17. Review status: criteria provided, single submitter. Criteria: GeneDx Variant Classification Process June 2021. Collection method: clinical testing. Allele origin: germline. Affected: yes.
Comment: See Variant Classification Assertion Criteria.

PreventionGenetics, part of Exact Sciences
Classification: Likely benign for ARID1A-related condition. Last evaluated: 2024-09-24. Review status: no assertion criteria provided. Collection method: clinical testing. Allele origin: germline. Not counted in ClinVar's aggregate classification.
Comment: This variant is classified as likely benign based on ACMG/AMP sequence variant interpretation guidelines (Richards et al. 2015 PMID: 25741868, with internal and published modifications).

NM_006015.6(ARID1A):c.261_278del (p.Ala88_Gly93del)

Gene: ARID1A (AT-rich interaction domain 1A; plus strand). Cytogenetic location: 1p36.11.
Variant type: Deletion.
Coding change: c.261_278del on transcript NM_006015.6 (MANE Select); coding-DNA positions 261 to 278, 18 bases deleted (AGCCGGCAGCGGCGGCGG).
Protein change: p.Ala88_Gly93del.
Molecular consequence: inframe deletion.
Genome position (GRCh38, 1-based): chr1:26,696,664-26,696,681, AGCCGGCAGCGGCGGCGG deleted; deleting any 18 consecutive bases within chr1:26,696,654-26,696,681 gives the same sequence; the c. name uses the placement nearest the transcript's 3' end. VCF-style (leftmost placement, unchanged base first): chr1-26696653-GGCGGCGGCGGAGCCGGCA-G. GRCh37 (hg19) VCF-style: chr1-27023144-GGCGGCGGCGGAGCCGGCA-G.
Other names: c.261_278delAGCCGGCAGCGGCGGCGG (NM_006015.4); c.261_278del, p.Ala88_Gly93del (NM_139135.4).
Identifiers: ClinVar variation 1205023 (VCV001205023.31), dbSNP rs749452696, ClinGen allele CA706575.
Genomic context (GRCh38, chr1:26,696,653, plus strand): 5'-GGGCCGCCGCAGCCGCTGGGAAAGGAGCTGCAGGACGGGGCCGAGAGCAATGGGGGTGGC[GGCGGCGGCGGAGCCGGCA>G]GCGGCGGCGGGCCCGGCGCGGAGCCGGACCTGAAGAACTCGAACGGGAACGCGGGCCCTA-3'